The following is an entry in ClinVar:

NC_012920.1(MT-TK):m.8347A>G

Gene: MT-TK (mitochondrially encoded tRNA lysine; plus strand).
Variant type: single nucleotide variant.
Genome position: chrM-8347-A-G.
Identifiers: ClinVar variation 690078 (VCV000690078.1), dbSNP rs1603221417, ClinGen allele CA913179051.

ClinVar aggregate classification (germline): Benign (1 of 4 stars; one submission).

Conditions:
MELAS syndrome (MELAS). Also called: Juvenile myopathy, encephalopathy, lactic acidosis, stroke. Identifiers: Orphanet 550, MedGen C0162671, MONDO:0010789, OMIM 540000.

Submission:

Wong Mito Lab, Molecular and Human Genetics, Baylor College of Medicine
Classification: Benign for MELAS syndrome. Last evaluated: 2019-07-12. Review status: criteria provided, single submitter. Criteria: Modified ACMG Guidelines (Unpublished). Collection method: clinical testing. Allele origin: germline.
Comment: The NC_012920.1:m.8347A>G variant in MT-TK gene is interpreted to be a Benign variant based on the modified ACMG guidelines (unpublished). This variant meets the following evidence codes reported in the guidelines: BS1, BS2, BP4

Literature cited by the submitters: PubMed 31965079.